The following is an entry in ClinVar:

ClinVar aggregate classification (germline): Uncertain significance (1 of 4 stars; one submission).

Submission:

GeneDx
Classification: Uncertain significance. Last evaluated: 2025-02-24. Review status: criteria provided, single submitter. Criteria: GeneDx Variant Classification Process June 2021. Collection method: clinical testing. Allele origin: germline. Affected: yes.
Comment: Not observed at significant frequency in large population cohorts (gnomAD); In silico analysis indicates that this missense variant does not alter protein structure/function; Has not been previously published as pathogenic or benign to our knowledge

NM_139319.3(SLC17A8):c.202C>T (p.His68Tyr)

Gene: SLC17A8 (solute carrier family 17 member 8; plus strand). Cytogenetic location: 12q23.1.
Variant type: single nucleotide variant.
Coding change: c.202C>T on transcript NM_139319.3 (MANE Select); coding-DNA position 202, C replaced by T.
Protein change: p.His68Tyr; replaces histidine 68 with tyrosine.
Molecular consequence: missense variant.
Genome position (GRCh38, 1-based): chr12:100,380,801, C>T. VCF-style: chr12-100380801-C-T. GRCh37 (hg19) VCF-style: chr12-100774579-C-T.
Other names: c.202C>T, p.His68Tyr (NM_001145288.2); short protein forms H68Y.
Identifiers: ClinVar variation 4076770 (VCV004076770.1).
Genomic context (GRCh38, chr12:100,380,801, plus strand): 5'-CTGAATGAAGAAGGAAGGCCGGTGCAGACGTCCAGGCCAAGCCCCCCACTCTGCGACTGC[C>T]ACTGCTGCGGCCTCCCCAAGCGTTACATCATTGCTATCATGAGTGGGCTGGGATTCTGCA-3'
Protein context (NP_647480.1, residues 58-78): SRPSPPLCDC[His68Tyr]CCGLPKRYII